The following is an entry in ClinVar:

NM_138348.6(OTULIN):c.59C>G (p.Thr20Arg)

Gene: OTULIN (OTU deubiquitinase with linear linkage specificity; plus strand). Cytogenetic location: 5p15.2.
Variant type: single nucleotide variant.
Coding change: c.59C>G on transcript NM_138348.6 (MANE Select); coding-DNA position 59, C replaced by G.
Protein change: p.Thr20Arg; replaces threonine 20 with arginine.
Molecular consequence: missense variant.
Genome position (GRCh38, 1-based): chr5:14,664,884, C>G. VCF-style: chr5-14664884-C-G. GRCh37 (hg19) VCF-style: chr5-14664993-C-G.
Other names: short protein forms T20R.
Identifiers: ClinVar variation 3612183 (VCV003612183.6).

ClinVar aggregate classification (germline): Uncertain significance. Review status: criteria provided, multiple submitters, no conflicts (2 of 4 stars). 2 submissions from 2 submitters: Uncertain significance (2). Last evaluated 2026-02-01.

gnomAD v4.1: 6 of 1,190,406 alleles (0.0005%); highest among the groups gnomAD compares: Non-Finnish European, 0.00062%; no homozygotes.

Submissions (2):

CeGaT Center for Human Genetics Tuebingen
Classification: Uncertain significance. Last evaluated: 2026-02-01. Review status: criteria provided, single submitter. Criteria: CeGaT Center For Human Genetics Tuebingen Variant Classification Criteria Version 2. Collection method: clinical testing. Allele origin: germline. Affected: yes. Observed: 1 variant allele.
Comment: OTULIN: PM2

Labcorp Genetics (formerly Invitae), Labcorp
Classification: Uncertain significance. Last evaluated: 2025-03-18. Review status: criteria provided, single submitter. Criteria: Invitae Variant Classification Sherloc (09022015). Collection method: clinical testing. Allele origin: germline.
Comment: This sequence change replaces threonine, which is neutral and polar, with arginine, which is basic and polar, at codon 20 of the OTULIN protein (p.Thr20Arg). This variant is not present in population databases (gnomAD no frequency). This variant has not been reported in the literature in individuals affected with OTULIN-related conditions. An algorithm developed to predict the effect of missense changes on protein structure and function (PolyPhen-2) suggests that this variant is likely to be tolerated. In summary, the available evidence is currently insufficient to determine the role of this variant in disease. Therefore, it has been classified as a Variant of Uncertain Significance.